The following is an entry in ClinVar:

NM_000834.5(GRIN2B):c.4326C>G (p.Phe1442Leu)

Gene: GRIN2B (glutamate ionotropic receptor NMDA type subunit 2B; minus strand). Cytogenetic location: 12p13.1.
Variant type: single nucleotide variant.
Coding change: c.4326C>G on transcript NM_000834.5 (MANE Select); coding-DNA position 4326, C replaced by G.
Protein change: p.Phe1442Leu; replaces phenylalanine 1442 with leucine.
Molecular consequence: missense variant.
Genome position (GRCh38, 1-based): chr12:13,562,912, G>C on the plus strand (C>G on the coding strand, the complement: GRIN2B is on the minus strand). VCF-style: chr12-13562912-G-C. GRCh37 (hg19) VCF-style: chr12-13715846-G-C.
Other names: short protein forms F1442L.
Identifiers: ClinVar variation 581950 (VCV000581950.7), dbSNP rs1565452565, ClinGen allele CA383985409.

ClinVar aggregate classification (germline): Uncertain significance (1 of 4 stars; one submission).

Conditions:
Intellectual developmental disorder, autosomal dominant 6, with or without seizures. Also called: Intellectual disability, autosomal dominant 6; GRIN2B-related developmental delay, intellectual disability and autism spectrum disorder. Identifiers: Orphanet 589547, MedGen C3151411, MONDO:0013509, OMIM 613970.
Developmental and epileptic encephalopathy, 27 (DEE27). Also called: Epileptic encephalopathy, early infantile, 27; GRIN2B-Related Neurodevelopmental Disorder. Identifiers: Orphanet 3451, MedGen C4015316, MONDO:0014505, OMIM 616139.

Submission:

Labcorp Genetics (formerly Invitae), Labcorp
Classification: Uncertain significance for Developmental and epileptic encephalopathy, 27; Intellectual developmental disorder, autosomal dominant 6, with or without seizures. Last evaluated: 2025-05-05. Review status: criteria provided, single submitter. Criteria: Invitae Variant Classification Sherloc (09022015). Collection method: clinical testing. Allele origin: germline.
Comment: This sequence change replaces phenylalanine, which is neutral and non-polar, with leucine, which is neutral and non-polar, at codon 1442 of the GRIN2B protein (p.Phe1442Leu). This variant is not present in population databases (gnomAD no frequency). This variant has not been reported in the literature in individuals affected with GRIN2B-related conditions. ClinVar contains an entry for this variant (Variation ID: 581950). Invitae Evidence Modeling of protein sequence and biophysical properties (such as structural, functional, and spatial information, amino acid conservation, physicochemical variation, residue mobility, and thermodynamic stability) indicates that this missense variant is not expected to disrupt GRIN2B protein function with a negative predictive value of 95%. In summary, the available evidence is currently insufficient to determine the role of this variant in disease. Therefore, it has been classified as a Variant of Uncertain Significance.